The following is an entry in ClinVar:

ClinVar aggregate classification (germline): Likely benign (1 of 4 stars; one submission).

Allele frequency attached by ClinVar (database versions not stated): gnomAD 0.01387 and 0.01422; TOPMed 0.01537; 1000 Genomes Project 30x 0.02123; 1000 Genomes Project 0.02278.
gnomAD v4.1: 1,577 of 111,884 alleles (1.4%); highest among the groups gnomAD compares: East Asian, 4.2%; 13 homozygotes.

Submission:

GeneDx
Classification: Likely benign. Last evaluated: 2018-06-14. Review status: criteria provided, single submitter. Criteria: GeneDx Variant Classification (06012015). Collection method: clinical testing. Allele origin: germline. Affected: yes.
Comment: This variant is considered likely benign or benign based on one or more of the following criteria: it is a conservative change, it occurs at a poorly conserved position in the protein, it is predicted to be benign by multiple in silico algorithms, and/or has population frequency not consistent with disease.

NM_004006.3(DMD):c.8390+174T>C

Gene: DMD (dystrophin; minus strand). Cytogenetic location: Xp21.1.
Variant type: single nucleotide variant.
Coding change: c.8390+174T>C on transcript NM_004006.3 (MANE Select); 174 bases into the intron after coding-DNA position 8390, T replaced by C.
Molecular consequence: intron variant.
Genome position (GRCh38, 1-based): chrX:31,507,107, A>G on the plus strand (T>C on the coding strand, the complement: DMD is on the minus strand). VCF-style: chrX-31507107-A-G. GRCh37 (hg19) VCF-style: chrX-31525224-A-G.
Other names: c.8366+174T>C (NM_000109.4); c.4367+174T>C (NM_004011.4); c.4358+174T>C (NM_004012.4); c.1010+174T>C (NM_004023.3, NM_004020.4, NM_004022.3 and 2 more transcripts); c.203+174T>C (NM_004014.3); c.8378+174T>C (NM_004009.3); c.8021+174T>C (NM_004010.3).
Identifiers: ClinVar variation 675861 (VCV000675861.1), dbSNP rs3788892, ClinGen allele CA328438198.